The following is an entry in ClinVar:

ClinVar aggregate classification (germline): Pathogenic (1 of 4 stars; one submission).

Conditions:
3-methylcrotonyl-CoA carboxylase 2 deficiency. Also called: 3 alpha methylcrotonyl-CoA carboxylase 2 deficiency; 3 alpha methylcrotonylglycinuria 2; MCC 2 deficiency; Methylcrotonylglycinuria type 2; METHYLCROTONYLGLYCINURIA, TYPE II. Identifiers: Orphanet 6, MedGen C1859499, MONDO:0008862, OMIM 210210.

Submission:

Labcorp Genetics (formerly Invitae), Labcorp
Classification: Pathogenic for 3-methylcrotonyl-CoA carboxylase 2 deficiency. Last evaluated: 2021-09-09. Review status: criteria provided, single submitter. Criteria: Invitae Variant Classification Sherloc (09022015). Collection method: clinical testing. Allele origin: germline.
Comment: This sequence change creates a premature translational stop signal (p.Pro115Glnfs*15) in the MCCC2 gene. It is expected to result in an absent or disrupted protein product. Loss-of-function variants in MCCC2 are known to be pathogenic (PMID: 11181649, 22642865). This variant is not present in population databases (ExAC no frequency). This variant has not been reported in the literature in individuals affected with MCCC2-related conditions. For these reasons, this variant has been classified as Pathogenic.

Literature cited by the submitters: PubMed 11181649; PubMed 22642865.

NM_022132.5(MCCC2):c.342del (p.Pro115fs)

Gene: MCCC2 (methylcrotonyl-CoA carboxylase subunit 2; plus strand). Cytogenetic location: 5q13.2.
Variant type: Deletion.
Coding change: c.342del on transcript NM_022132.5 (MANE Select); coding-DNA position 342, one base deleted (G; older notation c.342delG).
Protein change: p.Pro115fs; shifts the reading frame from proline 115.
Molecular consequence: frameshift variant.
Genome position (GRCh38, 1-based): chr5:71,599,719, G deleted. VCF-style (leftmost placement, unchanged base first): chr5-71599718-TG-T. GRCh37 (hg19) VCF-style: chr5-70895545-TG-T.
Other names: c.342del, p.Pro115fs (NM_001363147.1); short protein forms P115fs.
Identifiers: ClinVar variation 1392602 (VCV001392602.6), dbSNP rs2112309156, ClinGen allele CA2573139823.
Genomic context (GRCh38, chr5:71,599,718, plus strand): 5'-GGTCTCCATTTCTGGAATTATCCCAGTTTGCAGGTTACCAGTTATATGACAATGAGGAGG[TG>T]CCAGGAGGTGGCATTATTACAGGCATTGGAAGAGTATCAGGGTGAGTATTCTACTTGTGC-3'